The following is an entry in ClinVar:

ClinVar aggregate classification (germline): Uncertain significance. Review status: criteria provided, multiple submitters, no conflicts (2 of 4 stars). 2 submissions from 2 submitters: Uncertain significance (2). Last evaluated 2022-12-01.

Conditions:
Inborn genetic diseases. Identifiers: MedGen C0950123, MeSH D030342.
Cortical dysplasia-focal epilepsy syndrome (PTHSL1). Also called: Pitt-Hopkins-like syndrome 1. Identifiers: Orphanet 163681, Orphanet 221150, MedGen C2750246, MONDO:0012400, OMIM 610042.

Allele frequency attached by ClinVar (database versions not stated): gnomAD exomes below 0.00001; TOPMed 0.00001.
gnomAD v4.1: 1 of 1,614,154 alleles (0.000062%); highest among the groups gnomAD compares: South Asian, 0.0011%; no homozygotes.

Submissions (2):

Ambry Genetics
Classification: Uncertain significance for Inborn genetic diseases. Last evaluated: 2022-12-01. Review status: criteria provided, single submitter. Criteria: Ambry Variant Classification Scheme 2023. Collection method: clinical testing. Allele origin: germline.

Labcorp Genetics (formerly Invitae), Labcorp
Classification: Uncertain significance for Cortical dysplasia-focal epilepsy syndrome. Last evaluated: 2019-03-21. Review status: criteria provided, single submitter. Criteria: Invitae Variant Classification Sherloc (09022015). Collection method: clinical testing. Allele origin: germline.
Comment: In summary, the available evidence is currently insufficient to determine the role of this variant in disease. Therefore, it has been classified as a Variant of Uncertain Significance. Algorithms developed to predict the effect of missense changes on protein structure and function are either unavailable or do not agree on the potential impact of this missense change (SIFT: "Deleterious"; PolyPhen-2: "Benign"; Align-GVGD: "Class C0"). This variant has not been reported in the literature in individuals with CNTNAP2-related conditions. This variant is not present in population databases (ExAC no frequency). This sequence change replaces valine with methionine at codon 945 of the CNTNAP2 protein (p.Val945Met). The valine residue is highly conserved and there is a small physicochemical difference between valine and methionine.

NM_014141.6(CNTNAP2):c.2833G>A (p.Val945Met)

Genes: CNTNAP2 (contactin associated protein 2; plus strand), LOC126860216 (BRD4-independent group 4 enhancer GRCh37_chr7:147868766-147869965; plus strand). Cytogenetic location: 7q35.
Variant type: single nucleotide variant.
Coding change: c.2833G>A on transcript NM_014141.6 (MANE Select); coding-DNA position 2833, G replaced by A.
Protein change: p.Val945Met; replaces valine 945 with methionine.
Molecular consequence: missense variant.
Genome position (GRCh38, 1-based): chr7:148,172,301, G>A. VCF-style: chr7-148172301-G-A. GRCh37 (hg19) VCF-style: chr7-147869393-G-A.
Other names: short protein forms V945M.
Identifiers: ClinVar variation 846300 (VCV000846300.9), dbSNP rs1805807689, ClinGen allele CA369928426.